The following is an entry in ClinVar:

ClinVar aggregate classification (germline): Likely pathogenic (0 of 4 stars; one submission).

Conditions:
Gaucher disease type I (GD1). Also called: GD 1; Gaucher's disease, type 1; Type 1 Gaucher Disease; ACID BETA-GLUCOSIDASE DEFICIENCY; GAUCHER DISEASE, NONCEREBRAL JUVENILE; GBA DEFICIENCY. Identifiers: Orphanet 355, Orphanet 77259, MedGen C1961835, MONDO:0009265, OMIM 230800.

Submission:

Laboratório Nacional de Células Tronco Embrionárias, Instituto de Biociencias - Universidade de Sao Paulo
Classification: Likely pathogenic for Gaucher disease type I. Last evaluated: 2025-06-24. Review status: no assertion criteria provided. Collection method: research. Allele origin: inherited. Inheritance: Autosomal recessive inheritance. Affected: yes. Observed: 2 variant alleles.
Comment: This was the only variant detected at the GBA locus in this allele in homozigosis - genotype V437I/V437I. Mutation detected and described in Rozenberg et al., 2006 (doi:10.1016/j.bcmd.2006.09.004). Based on these data and established disease mechanisms for GBA1, we classified it as likely pathogenic.

Literature cited by the submitters: DOI 10.1016/j.bcmd.2006.09.004.

NM_000157.4(GBA1):c.1309G>A (p.Val437Ile)

Genes: GBA1 (glucosylceramidase beta 1; minus strand), LOC106627981 (GBA recombination region; plus strand). Cytogenetic location: 1q22.
Variant type: single nucleotide variant.
Coding change: c.1309G>A on transcript NM_000157.4 (MANE Select); coding-DNA position 1309, G replaced by A.
Protein change: p.Val437Ile; replaces valine 437 with isoleucine.
Molecular consequence: missense variant.
Genome position (GRCh38, 1-based): chr1:155,235,760, C>T on the plus strand (G>A on the coding strand, the complement: GBA1 is on the minus strand). VCF-style: chr1-155235760-C-T. GRCh37 (hg19) VCF-style: chr1-155205551-C-T.
Other names: NP_000148.2:p.(V437I); c.1309G>A, p.Val437Ile (NM_001005741.3, NM_001005742.3); c.1048G>A, p.Val350Ile (NM_001171811.2); c.1162G>A, p.Val388Ile (NM_001171812.2); short protein forms V350I, V388I, V437I.
Identifiers: ClinVar variation 4075426 (VCV004075426.1).